The following is an entry in ClinVar:

ClinVar aggregate classification (germline): Uncertain significance (1 of 4 stars; one submission).

Conditions:
PLXNA2-related disorder. Also called: PLXNA2-related condition.

gnomAD v4.1: 3 of 1,613,260 alleles (0.00019%); highest among the groups gnomAD compares: Non-Finnish European, 0.00025%; no homozygotes.

Submission:

PreventionGenetics, part of Exact Sciences
Classification: Uncertain significance for PLXNA2-related condition. Last evaluated: 2025-05-28. Review status: criteria provided, single submitter. Criteria: ACMG Guidelines, 2015. Collection method: clinical testing. Allele origin: germline.
Comment: The PLXNA2 c.4025G>A variant is predicted to result in the amino acid substitution p.Gly1342Glu. To our knowledge, this variant has not been reported in the literature or in a large population database (gnomAD), indicating this variant is rare. At this time, the clinical significance of this variant is uncertain due to the absence of conclusive functional and genetic evidence.

NM_025179.4(PLXNA2):c.4025G>A (p.Gly1342Glu)

Gene: PLXNA2 (plexin A2; minus strand). Cytogenetic location: 1q32.2.
Variant type: single nucleotide variant.
Coding change: c.4025G>A on transcript NM_025179.4 (MANE Select); coding-DNA position 4025, G replaced by A.
Protein change: p.Gly1342Glu; replaces glycine 1342 with glutamic acid.
Molecular consequence: missense variant.
Genome position (GRCh38, 1-based): chr1:208,042,359, C>T on the plus strand (G>A on the coding strand, the complement: PLXNA2 is on the minus strand). VCF-style: chr1-208042359-C-T. GRCh37 (hg19) VCF-style: chr1-208215704-C-T.
Other names: short protein forms G1342E.
Identifiers: ClinVar variation 4997879 (VCV004997879.1).